The following is an entry in ClinVar:

ClinVar aggregate classification (germline): Uncertain significance (1 of 4 stars; one submission).

Conditions:
Hypertrophic cardiomyopathy. Also called: HYPERTROPHIC MYOCARDIOPATHY. Identifiers: Orphanet 217569, MedGen C0007194, MeSH D002312, MONDO:0005045, HP:0001639.

Submission:

Labcorp Genetics (formerly Invitae), Labcorp
Classification: Uncertain significance for Hypertrophic cardiomyopathy. Last evaluated: 2024-09-08. Review status: criteria provided, single submitter. Criteria: Invitae Variant Classification Sherloc (09022015). Collection method: clinical testing. Allele origin: germline.
Comment: This sequence change replaces valine, which is neutral and non-polar, with isoleucine, which is neutral and non-polar, at codon 144 of the MYOZ2 protein (p.Val144Ile). This variant is not present in population databases (gnomAD no frequency). This variant has not been reported in the literature in individuals affected with MYOZ2-related conditions. Invitae Evidence Modeling of protein sequence and biophysical properties (such as structural, functional, and spatial information, amino acid conservation, physicochemical variation, residue mobility, and thermodynamic stability) indicates that this missense variant is not expected to disrupt MYOZ2 protein function with a negative predictive value of 80%. In summary, the available evidence is currently insufficient to determine the role of this variant in disease. Therefore, it has been classified as a Variant of Uncertain Significance.

NM_016599.5(MYOZ2):c.430G>A (p.Val144Ile)

Gene: MYOZ2 (myozenin 2; plus strand). Cytogenetic location: 4q26.
Variant type: single nucleotide variant.
Coding change: c.430G>A on transcript NM_016599.5 (MANE Select); coding-DNA position 430, G replaced by A.
Protein change: p.Val144Ile; replaces valine 144 with isoleucine.
Molecular consequence: missense variant.
Genome position (GRCh38, 1-based): chr4:119,164,264, G>A. VCF-style: chr4-119164264-G-A. GRCh37 (hg19) VCF-style: chr4-120085419-G-A.
Other names: short protein forms V144I.
Identifiers: ClinVar variation 3697247 (VCV003697247.2).